The following is an entry in ClinVar:

NM_001365536.1(SCN9A):c.2326C>T (p.Leu776Phe)

Genes: SCN9A (sodium voltage-gated channel alpha subunit 9; minus strand), SCN1A-AS1 (SCN1A and SCN9A antisense RNA 1; plus strand). Cytogenetic location: 2q24.3.
Variant type: single nucleotide variant.
Coding change: c.2326C>T on transcript NM_001365536.1 (MANE Select); coding-DNA position 2326, C replaced by T.
Protein change: p.Leu776Phe; replaces leucine 776 with phenylalanine.
Molecular consequence: missense variant.
Genome position (GRCh38, 1-based): chr2:166,280,374, G>A on the plus strand (C>T on the coding strand, the complement: SCN9A is on the minus strand). VCF-style: chr2-166280374-G-A. GRCh37 (hg19) VCF-style: chr2-167136884-G-A.
Other names: c.2293C>T, p.Leu765Phe (NM_002977.4); short protein forms L765F, L776F.
Identifiers: ClinVar variation 580850 (VCV000580850.10), dbSNP rs771120873, ClinGen allele CA1944298.

ClinVar aggregate classification (germline): Uncertain significance. Review status: criteria provided, multiple submitters, no conflicts (2 of 4 stars). 2 submissions from 2 submitters: Uncertain significance (2). Last evaluated 2025-07-31.

Conditions:
Neuropathy, hereditary sensory and autonomic, type 2A (HSAN2A). Also called: ACROOSTEOLYSIS, GIACCAI TYPE; ACROOSTEOLYSIS, NEUROGENIC; MORVAN DISEASE; NEUROPATHY, CONGENITAL SENSORY; NEUROPATHY, HEREDITARY SENSORY RADICULAR, AUTOSOMAL RECESSIVE; NEUROPATHY, HEREDITARY SENSORY, TYPE IIA. Identifiers: Orphanet 970, MedGen C2752089, MONDO:0024309, OMIM 201300.
Generalized epilepsy with febrile seizures plus, type 7 (GEFSP7). Also called: GEFS+, TYPE 7. Identifiers: Orphanet 36387, MedGen C2751778, MONDO:0013470, OMIM 613863.
Inborn genetic diseases. Identifiers: MedGen C0950123, MeSH D030342.

Allele frequency attached by ClinVar (database versions not stated): ExAC below 0.00001; gnomAD exomes below 0.00001.
gnomAD v4.1: 3 of 1,571,008 alleles (0.00019%); highest among the groups gnomAD compares: Non-Finnish European, 0.00026%; no homozygotes.

Submissions (2):

Ambry Genetics
Classification: Uncertain significance for Inborn genetic diseases. Last evaluated: 2025-07-31. Review status: criteria provided, single submitter. Criteria: Ambry Variant Classification Scheme 2023. Collection method: clinical testing. Allele origin: germline.

Labcorp Genetics (formerly Invitae), Labcorp
Classification: Uncertain significance for Neuropathy, hereditary sensory and autonomic, type 2A; Generalized epilepsy with febrile seizures plus, type 7. Last evaluated: 2018-06-20. Review status: criteria provided, single submitter. Criteria: Invitae Variant Classification Sherloc (09022015). Collection method: clinical testing. Allele origin: germline.
Comment: In summary, the available evidence is currently insufficient to determine the role of this variant in disease. Therefore, it has been classified as a Variant of Uncertain Significance. Algorithms developed to predict the effect of missense changes on protein structure and function are either unavailable or do not agree on the potential impact of this missense change (SIFT: "Deleterious"; PolyPhen-2: "Probably Damaging"; Align-GVGD: "Class C15"). This variant has not been reported in the literature in individuals with SCN9A-related disease. The frequency data for this variant in the population databases is considered unreliable, as metrics indicate poor data quality at this position in the ExAC database. This sequence change replaces leucine with phenylalanine at codon 765 of the SCN9A protein (p.Leu765Phe). The leucine residue is highly conserved and there is a small physicochemical difference between leucine and phenylalanine.